The following is an entry in ClinVar:

ClinVar aggregate classification (germline): Pathogenic (1 of 4 stars; one submission).

Conditions:
Familial adenomatous polyposis 1 (FAP1). Also called: FAMILIAL ADENOMATOUS POLYPOSIS 1, ATTENUATED; POLYPOSIS, ADENOMATOUS INTESTINAL. Identifiers: MedGen C2713442, MONDO:0021056, OMIM 175100. Disease mechanism: loss of function.

Submission:

Myriad Genetics, Inc.
Classification: Pathogenic for Familial adenomatous polyposis 1. Last evaluated: 2023-04-26. Review status: criteria provided, single submitter. Criteria: Myriad Autosomal Dominant, Autosomal Recessive and X-Linked Classification Criteria (2023). Collection method: clinical testing. Allele origin: unknown.
Comment: This variant is considered pathogenic. This variant creates a frameshift predicted to result in premature protein truncation.

NM_000038.6(APC):c.476_477del (p.Tyr159fs)

Gene: APC (APC regulator of Wnt signaling pathway; plus strand). Cytogenetic location: 5q22.2.
Variant type: Deletion.
Coding change: c.476_477del on transcript NM_000038.6 (MANE Select); coding-DNA positions 476 to 477, 2 bases deleted (AC; older notation c.476_477delAC).
Protein change: p.Tyr159fs; shifts the reading frame from tyrosine 159.
Molecular consequence: frameshift variant. On other transcripts: 5 prime UTR variant (4), non-coding transcript variant (2).
Genome position (GRCh38, 1-based): chr5:112,775,682-112,775,683, AC deleted. VCF-style (leftmost placement, unchanged base first): chr5-112775681-TAC-T. GRCh37 (hg19) VCF-style: chr5-112111378-TAC-T.
Other names: c.299_300del, p.Tyr100fs (NM_001354900.2, NM_001354901.2, NM_001354905.2 and 1 more transcripts); c.-560_-559del (NM_001354906.2, NM_001407470.1, NM_001407471.1 and 1 more transcripts); c.506_507del, p.Tyr169fs (NM_001354902.2, NM_001407446.1, NM_001127511.3 and 1 more transcripts); c.476_477del, p.Tyr159fs (NM_001354903.2, NM_001407448.1, NM_001407447.1 and 16 more transcripts); c.401_402del, p.Tyr134fs (NM_001354904.2, NM_001354898.2, NM_001407451.1); short protein forms Y100fs, Y134fs, Y159fs, Y169fs.
Identifiers: ClinVar variation 2583986 (VCV002583986.2), dbSNP rs2532413880, ClinGen allele CA2582341352.
Genomic context (GRCh38, chr5:112,775,681, plus strand): 5'-AAAAATAGGTCATTGCTTCTTGCTGATCTTGACAAAGAAGAAAAGGAAAAAGACTGGTAT[TAC>T]GCTCAACTTCAGAATCTCACTAAAAGAATAGATAGTCTTCCTTTAACTGAAAATGTAAGT-3'